The following is an entry in ClinVar:

ClinVar aggregate classification (germline): Uncertain significance. Review status: criteria provided, multiple submitters, no conflicts (2 of 4 stars). 3 submissions from 3 submitters: Uncertain significance (2). 1 of the submissions does not count toward it. Last evaluated 2026-01-12.

Conditions:
Autosomal recessive limb-girdle muscular dystrophy type 2A (LGMDR1). Also called: Muscular dystrophy, limb-girdle, type 2A, Amish; MUSCULAR DYSTROPHY, PELVOFEMORAL; Calpainopathy; LEYDEN-MOEBIUS MUSCULAR DYSTROPHY; Limb-girdle muscular dystrophy, type 2A. Identifiers: Orphanet 267, MedGen C1869123, MONDO:0009675, OMIM 253600. Disease mechanism: loss of function.

Allele frequency attached by ClinVar (database versions not stated): TOPMed below 0.00001.

Submissions (3):

Myriad Genetics, Inc.
Classification: Uncertain significance for Autosomal recessive limb-girdle muscular dystrophy type 2A. Last evaluated: 2026-01-12. Review status: criteria provided, single submitter. Criteria: Myriad Autosomal Dominant, Autosomal Recessive and X-Linked Classification Criteria (2023). Collection method: clinical testing. Allele origin: unknown.
Comment: NM_000070.2(CAPN3):c.281C>T(P94L) is a missense variant classified as a variant of uncertain significance in the context of calpainopathy. P94L has been observed in a case with relevant disease (PMID: 32994280). Relevant functional assessments of this variant are not available in the literature. P94L has not been observed in referenced population frequency databases. In summary, there is insufficient evidence to classify NM_000070.2(CAPN3):c.281C>T(P94L) as pathogenic or benign. Please note: this variant was assessed in the context of healthy population screening.

Labcorp Genetics (formerly Invitae), Labcorp
Classification: Uncertain significance for Autosomal recessive limb-girdle muscular dystrophy type 2A. Last evaluated: 2022-02-05. Review status: criteria provided, single submitter. Criteria: Invitae Variant Classification Sherloc (09022015). Collection method: clinical testing. Allele origin: germline.
Comment: In summary, the available evidence is currently insufficient to determine the role of this variant in disease. Therefore, it has been classified as a Variant of Uncertain Significance. Algorithms developed to predict the effect of missense changes on protein structure and function (SIFT, PolyPhen-2, Align-GVGD) all suggest that this variant is likely to be tolerated. ClinVar contains an entry for this variant (Variation ID: 1023492). This variant has not been reported in the literature in individuals affected with CAPN3-related conditions. This variant is not present in population databases (gnomAD no frequency). This sequence change replaces proline, which is neutral and non-polar, with leucine, which is neutral and non-polar, at codon 94 of the CAPN3 protein (p.Pro94Leu).

Natera, Inc.
Classification: Uncertain significance for Limb-girdle muscular dystrophy type 2A. Last evaluated: 2021-04-02. Review status: no assertion criteria provided. Collection method: clinical testing. Allele origin: germline. Not counted in ClinVar's aggregate classification.

Literature cited by the submitters: PubMed 32994280 (cited by Myriad Genetics, Inc.).

NM_000070.3(CAPN3):c.281C>T (p.Pro94Leu)

Gene: CAPN3 (calpain 3; plus strand). Cytogenetic location: 15q15.1.
Variant type: single nucleotide variant.
Coding change: c.281C>T on transcript NM_000070.3 (MANE Select); coding-DNA position 281, C replaced by T.
Protein change: p.Pro94Leu; replaces proline 94 with leucine.
Molecular consequence: missense variant.
Genome position (GRCh38, 1-based): chr15:42,360,086, C>T. VCF-style: chr15-42360086-C-T. GRCh37 (hg19) VCF-style: chr15-42652284-C-T.
Other names: c.281C>T, p.Pro94Leu (NM_024344.2, NM_173087.2); short protein forms P94L.
Identifiers: ClinVar variation 1023492 (VCV001023492.13), dbSNP rs2052600414, ClinGen allele CA391995219.
Genomic context (GRCh38, chr15:42,360,086, plus strand): 5'-TTTATGTGGACCCTGAGTTCCCACCGGATGAGACCTCTCTCTTTTATAGCCAGAAGTTCC[C>T]CATCCAGTTCGTCTGGAAGAGACCTCCGGTGAGTAGCTTCCTGCTTGCTGGCTGGGTTTT-3'
Protein context (NP_000061.1, residues 84-104): ETSLFYSQKF[Pro94Leu]IQFVWKRPPE